The following is an entry in ClinVar:

NM_002655.3(PLAG1):c.653G>A (p.Cys218Tyr)

Genes: PLAG1 (PLAG1 zinc finger; minus strand), LOC126860395 (BRD4-independent group 4 enhancer GRCh37_chr8:57079228-57080427; plus strand). Cytogenetic location: 8q12.1.
Variant type: single nucleotide variant.
Coding change: c.653G>A on transcript NM_002655.3 (MANE Select); coding-DNA position 653, G replaced by A.
Protein change: p.Cys218Tyr; replaces cysteine 218 with tyrosine.
Molecular consequence: missense variant.
Genome position (GRCh38, 1-based): chr8:56,167,093, C>T on the plus strand (G>A on the coding strand, the complement: PLAG1 is on the minus strand). VCF-style: chr8-56167093-C-T. GRCh37 (hg19) VCF-style: chr8-57079652-C-T.
Other names: c.653G>A, p.Cys218Tyr (NM_001114634.2); c.407G>A, p.Cys136Tyr (NM_001114635.2); short protein forms C136Y, C218Y.
Identifiers: ClinVar variation 5007317 (VCV005007317.2).
Genomic context (GRCh38, chr8:56,167,093, plus strand): 5'-TGATTGTGACTCTTCTTCATATGTCGAGTCAGGTGATCCTTTCGCCCAAATCTCTGTGCA[C>T]AATACTGACAGAGGAAGTCCTTTCTTCCAGTGTGCACCACCATGTGTCTCCGGACATCCT-3'
Protein context (NP_002646.2, residues 208-228): TGRKDFLCQY[Cys218Tyr]AQRFGRKDHL

ClinVar aggregate classification (germline): Uncertain significance (1 of 4 stars; one submission).

Conditions:
Silver-russell syndrome 4. Identifiers: MedGen C5394450, MONDO:0030118, OMIM 618907.
Pleomorphic adenoma of salivary gland. Also called: Salivary gland adenoma, pleomorphic; Pleomorphic adenoma. Identifiers: Orphanet 454821, MedGen C1519176, MONDO:0008401, OMIM 181030.

Submission:

Juno Genomics, Hangzhou Juno Genomics, Inc
Classification: Uncertain significance for Pleomorphic adenoma of salivary gland; Silver-russell syndrome 4. Review status: criteria provided, single submitter. Criteria: ACMG Guidelines, 2015. Collection method: clinical testing. Allele origin: germline.
Comment: Absent from controls (or at extremely low frequency if recessive) in Genome Aggregation Database.;Multiple lines of computational evidence support a deleterious effect on the gene or gene product.